The following is an entry in ClinVar:

NM_006922.4(SCN3A):c.5164_5166delinsAAG (p.Ala1722Lys)

Gene: SCN3A (sodium voltage-gated channel alpha subunit 3; minus strand). Cytogenetic location: 2q24.3.
Variant type: Indel.
Coding change: c.5164_5166delinsAAG on transcript NM_006922.4 (MANE Select); coding-DNA positions 5164 to 5166, GCA replaced by AAG.
Protein change: p.Ala1722Lys; replaces alanine 1722 with lysine.
Molecular consequence: missense variant.
Genome position (GRCh38, 1-based): chr2:165,090,987-165,090,989, TGC replaced by CTT on the plus strand (GCA replaced by AAG on the coding strand, the reverse complement: SCN3A is on the minus strand). VCF-style: chr2-165090987-TGC-CTT. GRCh37 (hg19) VCF-style: chr2-165947497-TGC-CTT.
Other names: c.5017_5019delinsAAG, p.Ala1673Lys (NM_001081676.2, NM_001081677.2); short protein forms A1673K, A1722K.
Identifiers: ClinVar variation 3632911 (VCV003632911.2).

ClinVar aggregate classification (germline): Uncertain significance (1 of 4 stars; one submission).

Submission:

Labcorp Genetics (formerly Invitae), Labcorp
Classification: Uncertain significance. Last evaluated: 2024-02-17. Review status: criteria provided, single submitter. Criteria: Invitae Variant Classification Sherloc (09022015). Collection method: clinical testing. Allele origin: germline.
Comment: This sequence change replaces alanine, which is neutral and non-polar, with lysine, which is basic and polar, at codon 1722 of the SCN3A protein (p.Ala1722Lys). Information on the frequency of this variant in the gnomAD database is not available, as this variant may be reported differently in the database. This variant has not been reported in the literature in individuals affected with SCN3A-related conditions. An algorithm developed to predict the effect of missense changes on protein structure and function (PolyPhen-2) suggests that this variant is likely to be tolerated. In summary, the available evidence is currently insufficient to determine the role of this variant in disease. Therefore, it has been classified as a Variant of Uncertain Significance.